The following is an entry in ClinVar:

ClinVar aggregate classification (germline): Uncertain significance (1 of 4 stars; one submission).

Submission:

GeneDx
Classification: Uncertain significance. Last evaluated: 2023-06-29. Review status: criteria provided, single submitter. Criteria: GeneDx Variant Classification Process June 2021. Collection method: clinical testing. Allele origin: germline. Affected: yes.
Comment: Not observed at significant frequency in large population cohorts (gnomAD); In silico analysis supports that this missense variant has a deleterious effect on protein structure/function; Has not been previously published as pathogenic or benign to our knowledge

NM_000051.4(ATM):c.2552A>T (p.Asp851Val)

Gene: ATM (ATM serine/threonine kinase; plus strand). Cytogenetic location: 11q22.3.
Variant type: single nucleotide variant.
Coding change: c.2552A>T on transcript NM_000051.4 (MANE Select); coding-DNA position 2552, A replaced by T.
Protein change: p.Asp851Val; replaces aspartic acid 851 with valine.
Molecular consequence: missense variant.
Genome position (GRCh38, 1-based): chr11:108,267,256, A>T. VCF-style: chr11-108267256-A-T. GRCh37 (hg19) VCF-style: chr11-108137983-A-T.
Other names: c.2552A>T, p.Asp851Val (NM_001351834.2); short protein forms D851V.
Identifiers: ClinVar variation 3360411 (VCV003360411.1).
Genomic context (GRCh38, chr11:108,267,256, plus strand): 5'-ACCGTGGAGAAGTAGAATCAATGGAAGATGATACTAATGGAAATCTAATGGAGGTGGAGG[A>T]TCAGTCATCCATGAATCTATTTAACGATTACCCTGATAGTAGTGTTAGTGATGCAAACGA-3'
Protein context (NP_000042.3, residues 841-861): DTNGNLMEVE[Asp851Val]QSSMNLFNDY